The following is an entry in ClinVar:

ClinVar aggregate classification (germline): Benign. Review status: criteria provided, multiple submitters, no conflicts (2 of 4 stars). 2 submissions from 2 submitters: Benign (2). Last evaluated 2018-06-14.

Allele frequency attached by ClinVar (database versions not stated): 1000 Genomes Project 30x 0.38023; TOPMed 0.38069; 1000 Genomes Project 0.38099; gnomAD 0.38388 and 0.38482; gnomAD exomes 0.42727.
gnomAD v4.1: 306,116 of 732,334 alleles (42%); highest among the groups gnomAD compares: East Asian, 51%; 65,410 homozygotes.

Submissions (2):

GeneDx
Classification: Benign. Last evaluated: 2018-06-14. Review status: criteria provided, single submitter. Criteria: GeneDx Variant Classification (06012015). Collection method: clinical testing. Allele origin: germline. Affected: yes.
Comment: This variant is considered likely benign or benign based on one or more of the following criteria: it is a conservative change, it occurs at a poorly conserved position in the protein, it is predicted to be benign by multiple in silico algorithms, and/or has population frequency not consistent with disease.

Breakthrough Genomics
Classification: Benign. Review status: criteria provided, single submitter. Criteria: ACMG Guidelines, 2015. Collection method: not provided. Allele origin: germline. Inheritance: Autosomal recessive inheritance. Affected: yes.

NM_022124.6(CDH23):c.4846-135C>T

Gene: CDH23 (cadherin related 23; plus strand). Cytogenetic location: 10q22.1.
Variant type: single nucleotide variant.
Coding change: c.4846-135C>T on transcript NM_022124.6 (MANE Select); 135 bases into the intron before coding-DNA position 4846, C replaced by T.
Molecular consequence: intron variant.
Genome position (GRCh38, 1-based): chr10:71,777,545, C>T. VCF-style: chr10-71777545-C-T. GRCh37 (hg19) VCF-style: chr10-73537302-C-T.
Identifiers: ClinVar variation 678785 (VCV000678785.2), dbSNP rs7901038, ClinGen allele CA15656457.
Genomic context (GRCh38, chr10:71,777,545, plus strand): 5'-GTTACCTTACTTGGCTTTTGGTGGAGTTTTTGAGCTTTCTCTCTCTACCAGCCTGTGACC[C>T]ACCCCCTGCTTTCTTCTCCTTGCCCTTTCTGTTTGAGTCACATGGAGTGAGTTCAGCCCA-3'